The following is an entry in ClinVar:

ClinVar aggregate classification (germline): Benign/Likely benign. Review status: criteria provided, single submitter (1 of 4 stars). 3 submissions from 1 submitter: Benign (2); Likely benign (1). Last evaluated 2018-01-13.

Conditions:
Myhre syndrome (MYHRS). Also called: LARYNGOTRACHEAL STENOSIS, ARTHROPATHY, PROGNATHISM, AND SHORT STATURE; LAPS SYNDROME. Identifiers: Orphanet 2588, MedGen C0796081, MONDO:0007688, OMIM 139210.
Generalized juvenile polyposis/juvenile polyposis coli. Also called: Juvenile polyposis coli. Identifiers: Orphanet 329971, MedGen C1868081, MONDO:0008276.
Juvenile polyposis/hereditary hemorrhagic telangiectasia syndrome (JPHT). Also called: JP/HHT SYNDROME; JUVENILE POLYPOSIS WITH HEREDITARY HEMORRHAGIC TELANGIECTASIA; POLYPOSIS, GENERALIZED JUVENILE, WITH PULMONARY ARTERIOVENOUS MALFORMATION; TELANGIECTASIA, HEREDITARY HEMORRHAGIC, WITH JUVENILE POLYPOSIS COLI; Juvenile Polyposis Syndrome / Hereditary Hemorrhagic Telangiectasia (JPS/HHT). Identifiers: Orphanet 2929, MedGen C1832942, MONDO:0008278, OMIM 175050.

Allele frequency attached by ClinVar (database versions not stated): gnomAD 0.00001 and 0.00011; TOPMed 0.00006; 1000 Genomes Project 0.00040; 1000 Genomes Project 30x 0.00062.
gnomAD v4.1: 17 of 225,702 alleles (0.0075%); highest among the groups gnomAD compares: South Asian, 0.27%; no homozygotes.

Submissions (3):

Illumina Laboratory Services, Illumina
Classification: Benign for Juvenile polyposis syndrome. Last evaluated: 2018-01-13. Review status: criteria provided, single submitter. Criteria: ICSL Variant Classification Criteria 13 December 2019. Collection method: clinical testing. Allele origin: germline.
Comment: This variant was observed in the ICSL laboratory as part of a predisposition screen in an ostensibly healthy population. It had not been previously curated by ICSL or reported in the Human Gene Mutation Database (HGMD: prior to June 1st, 2018), and was therefore a candidate for classification through an automated scoring system. Utilizing variant allele frequency, disease prevalence and penetrance estimates, and inheritance mode, an automated score was calculated to assess if this variant is too frequent to cause the disease. Based on the score and internal cut-off values, a variant classified as benign is not then subjected to further curation. The score for this variant resulted in a classification of benign for this disease.

Illumina Laboratory Services, Illumina
Classification: Likely benign for Juvenile polyposis/hereditary hemorrhagic telangiectasia syndrome. Last evaluated: 2018-01-13. Review status: criteria provided, single submitter. Criteria: ICSL Variant Classification Criteria 13 December 2019. Collection method: clinical testing. Allele origin: germline.
Comment: This variant was observed in the ICSL laboratory as part of a predisposition screen in an ostensibly healthy population. It had not been previously curated by ICSL or reported in the Human Gene Mutation Database (HGMD: prior to June 1st, 2018), and was therefore a candidate for classification through an automated scoring system. Utilizing variant allele frequency, disease prevalence and penetrance estimates, and inheritance mode, an automated score was calculated to assess if this variant is too frequent to cause the disease. Based on the score and internal cut-off values, a variant classified as likely benign is not then subjected to further curation. The score for this variant resulted in a classification of likely benign for this disease.

Illumina Laboratory Services, Illumina
Classification: Benign for Myhre syndrome. Last evaluated: 2018-01-13. Review status: criteria provided, single submitter. Criteria: ICSL Variant Classification Criteria 13 December 2019. Collection method: clinical testing. Allele origin: germline.
Comment: the same text as in the submission from Illumina Laboratory Services, Illumina above.

NM_005359.6(SMAD4):c.*4643T>C

Gene: SMAD4 (SMAD family member 4; plus strand). Cytogenetic location: 18q21.2.
Variant type: single nucleotide variant.
Coding change: c.*4643T>C on transcript NM_005359.6 (MANE Select); 4643 bases downstream of the stop codon, T replaced by C.
Molecular consequence: 3 prime UTR variant.
Genome position (GRCh38, 1-based): chr18:51,083,110, T>C. VCF-style: chr18-51083110-T-C. GRCh37 (hg19) VCF-style: chr18-48609480-T-C.
Identifiers: ClinVar variation 327165 (VCV000327165.5), dbSNP rs369040052, ClinGen allele CA10647798.